The following is an entry in ClinVar:

NM_001283009.2(RTEL1):c.2540G>A (p.Ser847Asn)

Genes: RTEL1 (regulator of telomere elongation helicase 1; plus strand), RTEL1-TNFRSF6B (RTEL1-TNFRSF6B readthrough (NMD candidate); plus strand). Cytogenetic location: 20q13.33.
Variant type: single nucleotide variant.
Coding change: c.2540G>A on transcript NM_001283009.2 (MANE Select); coding-DNA position 2540, G replaced by A.
Protein change: p.Ser847Asn; replaces serine 847 with asparagine.
Molecular consequence: missense variant. On other transcripts: non-coding transcript variant (1).
Genome position (GRCh38, 1-based): chr20:63,690,931, G>A. VCF-style: chr20-63690931-G-A. GRCh37 (hg19) VCF-style: chr20-62322284-G-A.
Other names: c.1871G>A, p.Ser624Asn (NM_001283010.1); c.2540G>A, p.Ser847Asn (NM_016434.4); c.2612G>A, p.Ser871Asn (NM_032957.5); short protein forms S871N, S624N, S847N.
Identifiers: ClinVar variation 1514957 (VCV001514957.8), dbSNP rs545991923, ClinGen allele CA317517247.

ClinVar aggregate classification (germline): Uncertain significance (1 of 4 stars; one submission).

Conditions:
Pulmonary fibrosis and/or bone marrow failure, Telomere-related, 3. Also called: PULMONARY FIBROSIS AND/OR BONE MARROW FAILURE SYNDROME, TELOMERE-RELATED, 3. Identifiers: Orphanet 2032, MedGen C4225346, MONDO:0014613, OMIM 616373.
Dyskeratosis congenita, autosomal recessive 5 (DKCB5). Identifiers: MedGen C3554656, MONDO:0014076, OMIM 615190.

gnomAD v4.1: 1 of 1,554,584 alleles (0.000064%); highest among the groups gnomAD compares: South Asian, 0.0012%; no homozygotes.

Submission:

Labcorp Genetics (formerly Invitae), Labcorp
Classification: Uncertain significance for Dyskeratosis congenita, autosomal recessive 5; Pulmonary fibrosis and/or bone marrow failure, Telomere-related, 3. Last evaluated: 2021-03-08. Review status: criteria provided, single submitter. Criteria: Invitae Variant Classification Sherloc (09022015). Collection method: clinical testing. Allele origin: germline.
Comment: This sequence change replaces serine with asparagine at codon 847 of the RTEL1 protein (p.Ser847Asn). The serine residue is weakly conserved and there is a small physicochemical difference between serine and asparagine. This variant is not present in population databases (ExAC no frequency). This variant has not been reported in the literature in individuals with RTEL1-related conditions. Algorithms developed to predict the effect of missense changes on protein structure and function (SIFT, PolyPhen-2, Align-GVGD) all suggest that this variant is likely to be tolerated, but these predictions have not been confirmed by published functional studies and their clinical significance is uncertain. In summary, the available evidence is currently insufficient to determine the role of this variant in disease. Therefore, it has been classified as a Variant of Uncertain Significance.